The following is an entry in ClinVar:

ClinVar aggregate classification (germline): Likely benign (1 of 4 stars; one submission).

Submission:

CeGaT Center for Human Genetics Tuebingen
Classification: Likely benign. Last evaluated: 2026-07-01. Review status: criteria provided, single submitter. Criteria: CeGaT Center For Human Genetics Tuebingen Variant Classification Criteria Version 2. Collection method: clinical testing. Allele origin: germline. Affected: yes. Observed: 2 variant alleles.
Comment: AHNAK2: BP4, BP7

NM_138420.4(AHNAK2):c.8043C>T (p.Asp2681=)

Gene: AHNAK2 (AHNAK nucleoprotein 2; minus strand). Cytogenetic location: 14q32.33.
Variant type: single nucleotide variant.
Coding change: c.8043C>T on transcript NM_138420.4 (MANE Select); coding-DNA position 8043, C replaced by T.
Protein change: p.Asp2681=; no amino-acid change (aspartic acid 2681 retained).
Molecular consequence: synonymous variant.
Genome position (GRCh38, 1-based): chr14:104,947,408, G>A on the plus strand (C>T on the coding strand, the complement: AHNAK2 is on the minus strand). VCF-style: chr14-104947408-G-A. GRCh37 (hg19) VCF-style: chr14-105413745-G-A.
Other names: c.7743C>T, p.Asp2581= (NM_001350929.2).
Identifiers: ClinVar variation 5038458 (VCV005038458.1).
Genomic context (GRCh38, chr14:104,947,408, plus strand): 5'-GGGGGGCTGAATGCTGATGTCAGTGGTCTTAAGGTCCCCTTGCATGGAGGGGAGGCTCAT[G>A]TCGGCTTCCACCTTCAGCTCAGACACATCCACCAACGCCTCGATGGACTCGCCTGGGGCC-3'
Protein context (NP_612429.2, residues 2671-2691): VDVSELKVEA[Asp2681=]MSLPSMQGDL